The following is an entry in ClinVar:

ClinVar aggregate classification (germline): Uncertain significance. Review status: criteria provided, multiple submitters, no conflicts (2 of 4 stars). 3 submissions from 3 submitters: Uncertain significance (3). Last evaluated 2025-10-01.

Conditions:
Breast-ovarian cancer, familial, susceptibility to, 1 (BROVCA1). Also called: OVARIAN CANCER, SUSCEPTIBILITY TO; BRCA1 Hereditary Breast and Ovarian Cancer. Identifiers: Orphanet 145, MedGen C2676676, MONDO:0011450, OMIM 604370. Disease mechanism: loss of function.
Familial cancer of breast. Also called: BREAST CANCER, FAMILIAL; hereditary breast carcinoma; Hereditary breast cancer. Identifiers: Orphanet 227535, MedGen C0346153, MONDO:0016419, OMIM 114480. Disease mechanism: loss of function.
Hereditary cancer-predisposing syndrome. Also called: Hereditary neoplastic syndrome; Tumor predisposition; Hereditary Cancer Syndrome; Neoplastic Syndromes, Hereditary. Identifiers: Orphanet 140162, MedGen C0027672, MeSH D009386, MONDO:0015356.

Submissions (3):

Labcorp Genetics (formerly Invitae), Labcorp
Classification: Uncertain significance for Familial cancer of breast. Last evaluated: 2025-10-01. Review status: criteria provided, single submitter. Criteria: Invitae Variant Classification Sherloc (09022015). Collection method: clinical testing. Allele origin: germline.
Comment: This sequence change replaces leucine, which is neutral and non-polar, with tryptophan, which is neutral and slightly polar, at codon 433 of the PALB2 protein (p.Leu433Trp). This variant is not present in population databases (gnomAD no frequency). This variant has not been reported in the literature in individuals affected with PALB2-related conditions. ClinVar contains an entry for this variant (Variation ID: 656043). Invitae Evidence Modeling of protein sequence and biophysical properties (such as structural, functional, and spatial information, amino acid conservation, physicochemical variation, residue mobility, and thermodynamic stability) indicates that this missense variant is expected to disrupt PALB2 protein function with a positive predictive value of 80%. In summary, the available evidence is currently insufficient to determine the role of this variant in disease. Therefore, it has been classified as a Variant of Uncertain Significance.

Institute of Immunology and Genetics Kaiserslautern
Classification: Uncertain significance for Breast-ovarian cancer, familial, susceptibility to, 1. Last evaluated: 2025-07-31. Review status: criteria provided, single submitter. Criteria: ACMG Guidelines, 2015. Collection method: clinical testing. Allele origin: germline. Affected: no.
Comment: ACMG Criteria: PM2_P; Variant was found in heterozygous state.

Ambry Genetics
Classification: Uncertain significance for Hereditary cancer-predisposing syndrome. Last evaluated: 2018-05-18. Review status: criteria provided, single submitter. Criteria: Ambry Variant Classification Scheme 2023. Collection method: clinical testing. Allele origin: germline.
Comment: The p.L433W variant (also known as c.1298T>G), located in coding exon 4 of the PALB2 gene, results from a T to G substitution at nucleotide position 1298. The leucine at codon 433 is replaced by tryptophan, an amino acid with similar properties. This amino acid position is highly conserved in available vertebrate species. In addition, the in silico prediction for this alteration is inconclusive. Since supporting evidence is limited at this time, the clinical significance of this alteration remains unclear.

NM_024675.4(PALB2):c.1298T>G (p.Leu433Trp)

Gene: PALB2 (partner and localizer of BRCA2; minus strand). Cytogenetic location: 16p12.2.
Variant type: single nucleotide variant.
Coding change: c.1298T>G on transcript NM_024675.4 (MANE Select); coding-DNA position 1298, T replaced by G.
Protein change: p.Leu433Trp; replaces leucine 433 with tryptophan.
Molecular consequence: missense variant.
Genome position (GRCh38, 1-based): chr16:23,635,248, A>C on the plus strand (T>G on the coding strand, the complement: PALB2 is on the minus strand). VCF-style: chr16-23635248-A-C. GRCh37 (hg19) VCF-style: chr16-23646569-A-C.
Other names: short protein forms L433W.
Identifiers: ClinVar variation 656043 (VCV000656043.15), dbSNP rs1597096465, ClinGen allele CA395132466.